The following is an entry in ClinVar:

ClinVar aggregate classification (germline): Likely pathogenic (1 of 4 stars; one submission).

Conditions:
LZTR1-related schwannomatosis. Also called: Schwannomatosis-2, susceptibility to; Schwannomatosis 2. Identifiers: Orphanet 93921, MedGen C3810283, MONDO:0014299, OMIM 615670.
Noonan syndrome 10 (NS10). Identifiers: Orphanet 648, MedGen C4225280, MONDO:0014693, OMIM 616564.
Noonan syndrome 2 (NS2). Identifiers: Orphanet 648, MedGen C1854469, MONDO:0011531, OMIM 605275.

Submission:

Juno Genomics, Hangzhou Juno Genomics, Inc
Classification: Likely pathogenic for LZTR1-related schwannomatosis; Noonan syndrome 10; Noonan syndrome 2. Review status: criteria provided, single submitter. Criteria: ACMG Guidelines, 2015. Collection method: clinical testing. Allele origin: germline.
Comment: Absent from controls (or at extremely low frequency if recessive) in Genome Aggregation Database.;Null variant in a gene where loss of function (LOF) is a known mechanism of disease.

NM_006767.4(LZTR1):c.1920del (p.Leu641fs)

Gene: LZTR1 (leucine zipper like post translational regulator 1; plus strand). Cytogenetic location: 22q11.21.
Variant type: Deletion.
Coding change: c.1920del on transcript NM_006767.4 (MANE Select); coding-DNA position 1920, one base deleted (C; older notation c.1920delC).
Protein change: p.Leu641fs; shifts the reading frame from leucine 641.
Molecular consequence: frameshift variant.
Genome position (GRCh38, 1-based): chr22:20,995,004, C deleted; the last of 3 consecutive C bases (chr22:20,995,002-20,995,004); deleting any one gives the same sequence. VCF-style (leftmost placement, unchanged base first): chr22-20995001-TC-T. GRCh37 (hg19) VCF-style: chr22-21349290-TC-T.
Other names: short protein forms L641fs.
Identifiers: ClinVar variation 5019846 (VCV005019846.2).